The following is an entry in ClinVar:

NM_004380.3(CREBBP):c.6869C>T (p.Ala2290Val)

Gene: CREBBP (CREB binding lysine acetyltransferase; minus strand). Cytogenetic location: 16p13.3.
Variant type: single nucleotide variant.
Coding change: c.6869C>T on transcript NM_004380.3 (MANE Select); coding-DNA position 6869, C replaced by T.
Protein change: p.Ala2290Val; replaces alanine 2290 with valine.
Molecular consequence: missense variant.
Genome position (GRCh38, 1-based): chr16:3,728,178, G>A on the plus strand (C>T on the coding strand, the complement: CREBBP is on the minus strand). VCF-style: chr16-3728178-G-A. GRCh37 (hg19) VCF-style: chr16-3778179-G-A.
Other names: c.6755C>T, p.Ala2252Val (NM_001079846.1); short protein forms A2252V, A2290V.
Identifiers: ClinVar variation 3356608 (VCV003356608.1).
Genomic context (GRCh38, chr16:3,728,178, plus strand): 5'-TGGCCTGGGGACCCAATCTGCTGCTTCATCTGCTGTTGCTGCAGAATCCGCTGCTGCAGG[G>A]CTTGCTGGATGTTGGGGGTGCTGTCTGCCCCCAGCCCCGGCTGCCCCATCTGGCCAAGCT-3'
Protein context (NP_004371.2, residues 2280-2300): GADSTPNIQQ[Ala2290Val]LQQRILQQQQ

ClinVar aggregate classification (germline): Uncertain significance (0 of 4 stars; one submission).

Conditions:
CREBBP-related disorder. Also called: CREBBP-related condition; CREBBP-related disorders.

Submission:

PreventionGenetics, part of Exact Sciences
Classification: Uncertain significance for CREBBP-related condition. Last evaluated: 2024-01-31. Review status: no assertion criteria provided. Collection method: clinical testing. Allele origin: germline.
Comment: The CREBBP c.6869C>T variant is predicted to result in the amino acid substitution p.Ala2290Val. To our knowledge, this variant has not been reported in the literature or in a large population database, indicating this variant is rare. At this time, the clinical significance of this variant is uncertain due to the absence of conclusive functional and genetic evidence.